The following is an entry in ClinVar:

NM_001283009.2(RTEL1):c.2155G>A (p.Asp719Asn)

Genes: RTEL1 (regulator of telomere elongation helicase 1; plus strand), RTEL1-TNFRSF6B (RTEL1-TNFRSF6B readthrough (NMD candidate); plus strand). Cytogenetic location: 20q13.33.
Variant type: single nucleotide variant.
Coding change: c.2155G>A on transcript NM_001283009.2 (MANE Select); coding-DNA position 2155, G replaced by A.
Protein change: p.Asp719Asn; replaces aspartic acid 719 with asparagine.
Molecular consequence: missense variant. On other transcripts: non-coding transcript variant (1).
Genome position (GRCh38, 1-based): chr20:63,690,100, G>A. VCF-style: chr20-63690100-G-A. GRCh37 (hg19) VCF-style: chr20-62321453-G-A.
Other names: c.1486G>A, p.Asp496Asn (NM_001283010.1); c.2155G>A, p.Asp719Asn (NM_016434.4); c.2227G>A, p.Asp743Asn (NM_032957.5); short protein forms D719N, D743N, D496N.
Identifiers: ClinVar variation 436588 (VCV000436588.21), dbSNP rs781231332, ClinGen allele CA9965211.

ClinVar aggregate classification (germline): Uncertain significance. Review status: criteria provided, multiple submitters, no conflicts (2 of 4 stars). 6 submissions from 6 submitters: Uncertain significance (4). 2 of the submissions do not count toward it. Last evaluated 2025-10-13.

Conditions:
Dyskeratosis congenita, autosomal recessive 5 (DKCB5). Identifiers: MedGen C3554656, MONDO:0014076, OMIM 615190.
Pulmonary fibrosis and/or bone marrow failure, Telomere-related, 3. Also called: PULMONARY FIBROSIS AND/OR BONE MARROW FAILURE SYNDROME, TELOMERE-RELATED, 3. Identifiers: Orphanet 2032, MedGen C4225346, MONDO:0014613, OMIM 616373.
Dyskeratosis congenita. Identifiers: Orphanet 1775, MedGen C0265965, MONDO:0015780.

Allele frequency attached by ClinVar (database versions not stated): gnomAD 0.00001; gnomAD exomes 0.00005 and 0.00007; TOPMed 0.00005; ExAC 0.00008.
gnomAD v4.1: 82 of 1,611,446 alleles (0.0051%); highest among the groups gnomAD compares: Admixed American, 0.025%; no homozygotes.

Submissions (6):

Labcorp Genetics (formerly Invitae), Labcorp
Classification: Uncertain significance for Dyskeratosis congenita, autosomal recessive 5; Pulmonary fibrosis and/or bone marrow failure, Telomere-related, 3. Last evaluated: 2025-10-13. Review status: criteria provided, single submitter. Criteria: Invitae Variant Classification Sherloc (09022015). Collection method: clinical testing. Allele origin: germline.
Comment: This sequence change replaces aspartic acid, which is acidic and polar, with asparagine, which is neutral and polar, at codon 719 of the RTEL1 protein (p.Asp719Asn). This variant is present in population databases (rs781231332, gnomAD 0.04%). This missense change has been observed in individual(s) with dyskeratosis congenita (DC) and pulmonary arteriovenous malformations (PAVMs) (PMID: 27824607). ClinVar contains an entry for this variant (Variation ID: 436588). An algorithm developed to predict the effect of missense changes on protein structure and function (PolyPhen-2) suggests that this variant is likely to be disruptive. In summary, the available evidence is currently insufficient to determine the role of this variant in disease. Therefore, it has been classified as a Variant of Uncertain Significance.

CeGaT Center for Human Genetics Tuebingen
Classification: Uncertain significance. Last evaluated: 2025-08-01. Review status: criteria provided, single submitter. Criteria: CeGaT Center For Human Genetics Tuebingen Variant Classification Criteria Version 2. Collection method: clinical testing. Allele origin: germline. Affected: yes. Observed: 1 variant allele.
Comment: RTEL1: PM2

Blueprint Genetics
Classification: Uncertain significance. Last evaluated: 2021-03-09. Review status: criteria provided, single submitter. Criteria: ACMG Guidelines, 2015. Collection method: clinical testing. Allele origin: germline.

Genetic Services Laboratory, University of Chicago
Classification: Uncertain significance. Last evaluated: 2015-08-24. Review status: criteria provided, single submitter. Criteria: ACMG Guidelines, 2015. Collection method: clinical testing. Allele origin: germline. Affected: no.

Natera, Inc.
Classification: Uncertain significance for Dyskeratosis congenita. Last evaluated: 2020-09-16. Review status: no assertion criteria provided. Collection method: clinical testing. Allele origin: germline. Not counted in ClinVar's aggregate classification.

Counsyl
Classification: Uncertain significance for Dyskeratosis congenita, autosomal recessive 5. Last evaluated: 2018-05-23. Review status: no assertion criteria provided. Collection method: clinical testing. Allele origin: unknown. Not counted in ClinVar's aggregate classification.

Literature cited by the submitters: PubMed 27824607 (cited by Labcorp Genetics (formerly Invitae), Labcorp and Counsyl); PubMed 29344583 (cited by Counsyl).